The following is an entry in ClinVar:

ClinVar aggregate classification (germline): Uncertain significance. Review status: criteria provided, multiple submitters, no conflicts (2 of 4 stars). 2 submissions from 2 submitters: Uncertain significance (2). Last evaluated 2025-08-02.

Allele frequency attached by ClinVar (database versions not stated): gnomAD exomes 0.00001; gnomAD 0.00001; TOPMed 0.00002.
gnomAD v4.1: 25 of 1,588,918 alleles (0.0016%); highest among the groups gnomAD compares: Middle Eastern, 0.017%; no homozygotes.

Submissions (2):

Ambry Genetics
Classification: Uncertain significance. Last evaluated: 2025-08-02. Review status: criteria provided, single submitter. Criteria: Ambry Variant Classification Scheme 2023. Collection method: clinical testing. Allele origin: germline.

Labcorp Genetics (formerly Invitae), Labcorp
Classification: Uncertain significance. Last evaluated: 2022-10-24. Review status: criteria provided, single submitter. Criteria: Invitae Variant Classification Sherloc (09022015). Collection method: clinical testing. Allele origin: germline.
Comment: Algorithms developed to predict the effect of missense changes on protein structure and function are either unavailable or do not agree on the potential impact of this missense change (SIFT: "Deleterious"; PolyPhen-2: "Probably Damaging"; Align-GVGD: "Class C0"). This variant has not been reported in the literature in individuals affected with FSCN2-related conditions. The frequency data for this variant in the population databases is considered unreliable, as metrics indicate poor data quality at this position in the gnomAD database. This sequence change replaces threonine, which is neutral and polar, with methionine, which is neutral and non-polar, at codon 211 of the FSCN2 protein (p.Thr211Met). In summary, the available evidence is currently insufficient to determine the role of this variant in disease. Therefore, it has been classified as a Variant of Uncertain Significance.

NM_012418.4(FSCN2):c.632C>T (p.Thr211Met)

Gene: FSCN2 (fascin actin-bundling protein 2, retinal; plus strand). Cytogenetic location: 17q25.3.
Variant type: single nucleotide variant.
Coding change: c.632C>T on transcript NM_012418.4 (MANE Select); coding-DNA position 632, C replaced by T.
Protein change: p.Thr211Met; replaces threonine 211 with methionine.
Molecular consequence: missense variant.
Genome position (GRCh38, 1-based): chr17:81,529,163, C>T. VCF-style: chr17-81529163-C-T. GRCh37 (hg19) VCF-style: chr17-79496189-C-T.
Other names: c.632C>T, p.Thr211Met (NM_001077182.3); c.632C>T (NM_001077182.2); short protein forms T211M.
Identifiers: ClinVar variation 2068857 (VCV002068857.5), dbSNP rs1019964898, ClinGen allele CA295078756.